The following is an entry in ClinVar:

ClinVar aggregate classification (germline): Benign (1 of 4 stars; one submission).

Allele frequency attached by ClinVar (database versions not stated): gnomAD 0.02187 and 0.02359; TOPMed 0.02326; 1000 Genomes Project 0.02196; 1000 Genomes Project 30x 0.02311.
gnomAD v4.1: 5,484 of 1,175,130 alleles (0.47%); highest among the groups gnomAD compares: African/African-American, 7.5%; 189 homozygotes.

Submissions (2):

GeneDx
Classification: Benign. Last evaluated: 2018-06-16. Review status: criteria provided, single submitter. Criteria: GeneDx Variant Classification (06012015). Collection method: clinical testing. Allele origin: germline. Affected: yes.
Comment: This variant is considered likely benign or benign based on one or more of the following criteria: it is a conservative change, it occurs at a poorly conserved position in the protein, it is predicted to be benign by multiple in silico algorithms, and/or has population frequency not consistent with disease.

Dr. Peter K. Rogan Lab, Western University
No classification provided (evidence only). Condition: Lung cancer. Review status: no classification provided. Collection method: in vitro. Allele origin: not applicable. Functional consequence: retained intron. Not counted in ClinVar's aggregate classification.

NM_003060.4(SLC22A5):c.393+118C>A

Gene: SLC22A5 (solute carrier family 22 member 5; plus strand). Cytogenetic location: 5q31.1.
Variant type: single nucleotide variant.
Coding change: c.393+118C>A on transcript NM_003060.4 (MANE Select); 118 bases into the intron after coding-DNA position 393, C replaced by A.
Molecular consequence: intron variant.
Genome position (GRCh38, 1-based): chr5:132,370,483, C>A. VCF-style: chr5-132370483-C-A. GRCh37 (hg19) VCF-style: chr5-131706175-C-A.
Other names: NC_000005.9:g.131706175C>A; c.393+118C>A (NM_001308122.2).
Identifiers: ClinVar variation 676944 (VCV000676944.2), dbSNP rs116370664, ClinGen allele CA127196837.